The following is an entry in ClinVar:

NM_000059.4(BRCA2):c.4376del (p.Asn1459fs)

Gene: BRCA2 (BRCA2 DNA repair associated; plus strand). Cytogenetic location: 13q13.1.
Variant type: Deletion.
Coding change: c.4376del on transcript NM_000059.4 (MANE Select); coding-DNA position 4376, one base deleted (A; older notation c.4376delA).
Protein change: p.Asn1459fs; shifts the reading frame from asparagine 1459.
Molecular consequence: frameshift variant.
Genome position (GRCh38, 1-based): chr13:32,338,731, A deleted; the last of 2 consecutive A bases (chr13:32,338,730-32,338,731); deleting either gives the same sequence. VCF-style (leftmost placement, unchanged base first): chr13-32338729-TA-T. GRCh37 (hg19) VCF-style: chr13-32912866-TA-T.
Other names: c.4376delA (NM_000059.3).
Identifiers: ClinVar variation 438979 (VCV000438979.11), dbSNP rs1555283752, ClinGen allele CA645509347.

ClinVar aggregate classification (germline): Pathogenic. Review status: reviewed by expert panel (3 of 4 stars). 4 submissions from 4 submitters: Pathogenic (1). 3 of the submissions do not count toward it. Last evaluated 2017-12-15.

Conditions:
Breast-ovarian cancer, familial, susceptibility to, 2 (BROVCA2). Also called: BRCA2 Hereditary Breast and Ovarian Cancer. Identifiers: Orphanet 145, MedGen C2675520, MONDO:0012933, OMIM 612555. Disease mechanism: loss of function.
Hereditary cancer-predisposing syndrome. Also called: Hereditary Cancer Syndrome; Hereditary neoplastic syndrome; Tumor predisposition; Neoplastic Syndromes, Hereditary. Identifiers: Orphanet 140162, MedGen C0027672, MeSH D009386, MONDO:0015356.
Hereditary breast ovarian cancer syndrome. Also called: Hereditary breast and ovarian cancer syndrome; BRCA1- and BRCA2-Associated Hereditary Breast and Ovarian Cancer; Hereditary breast and ovarian cancer syndrome (HBOC); Hereditary breast and/or ovarian cancer syndrome; Hereditary breast and ovarian cancer; Breast and ovarian cancer. Identifiers: Orphanet 145, MedGen C0677776, MeSH D061325, MONDO:0003582. Disease mechanism: loss of function.

Submissions (4):

Evidence-based Network for the Interpretation of Germline Mutant Alleles (ENIGMA)
Classification: Pathogenic for Breast-ovarian cancer, familial, susceptibility to, 2. Last evaluated: 2017-12-15. Review status: reviewed by expert panel. Criteria: ENIGMA BRCA1/2 Classification Criteria (2017-06-29). Collection method: curation. Allele origin: germline. Study: ENIGMA.
Comment: Variant allele predicted to encode a truncated non-functional protein.

Labcorp Genetics (formerly Invitae), Labcorp
Classification: Pathogenic for Hereditary breast ovarian cancer syndrome. Last evaluated: 2024-06-04. Review status: criteria provided, single submitter. Criteria: Invitae Variant Classification Sherloc (09022015). Collection method: clinical testing. Allele origin: germline. Not counted in ClinVar's aggregate classification.
Comment: This sequence change creates a premature translational stop signal (p.Asn1459Thrfs*4) in the BRCA2 gene. It is expected to result in an absent or disrupted protein product. Loss-of-function variants in BRCA2 are known to be pathogenic (PMID: 20104584). This variant is not present in population databases (gnomAD no frequency). This variant has not been reported in the literature in individuals affected with BRCA2-related conditions. ClinVar contains an entry for this variant (Variation ID: 438979). For these reasons, this variant has been classified as Pathogenic.

Ambry Genetics
Classification: Pathogenic for Hereditary cancer-predisposing syndrome. Last evaluated: 2019-05-19. Review status: criteria provided, single submitter. Criteria: Ambry Variant Classification Scheme 2023. Collection method: clinical testing. Allele origin: germline. Not counted in ClinVar's aggregate classification.
Comment: The c.4376delA pathogenic mutation, located in coding exon 10 of the BRCA2 gene, results from a deletion of one nucleotide at nucleotide position 4376, causing a translational frameshift with a predicted alternate stop codon (p.N1459Tfs*4). This alteration is expected to result in loss of function by premature protein truncation or nonsense-mediated mRNA decay. As such, this alteration is interpreted as a disease-causing mutation.

Quest Diagnostics Nichols Institute San Juan Capistrano
Classification: Likely pathogenic. Last evaluated: 2017-01-31. Review status: criteria provided, single submitter. Criteria: Quest Diagnostics criteria. Collection method: clinical testing. Allele origin: germline. Not counted in ClinVar's aggregate classification.

Literature cited by the submitters: PubMed 20104584 (cited by Labcorp Genetics (formerly Invitae), Labcorp).